The following is an entry in ClinVar:

NM_205836.3(FBXO38):c.1842T>G (p.Ile614Met)

Gene: FBXO38 (F-box protein 38; plus strand). Cytogenetic location: 5q32.
Variant type: single nucleotide variant.
Coding change: c.1842T>G on transcript NM_205836.3 (MANE Select); coding-DNA position 1842, T replaced by G.
Protein change: p.Ile614Met; replaces isoleucine 614 with methionine.
Molecular consequence: missense variant.
Genome position (GRCh38, 1-based): chr5:148,425,625, T>G. VCF-style: chr5-148425625-T-G. GRCh37 (hg19) VCF-style: chr5-147805188-T-G.
Other names: c.1842T>G, p.Ile614Met (NM_001271723.2, NM_030793.5); short protein forms I614M.
Identifiers: ClinVar variation 3704401 (VCV003704401.2).

ClinVar aggregate classification (germline): Uncertain significance (1 of 4 stars; one submission).

Conditions:
Distal hereditary motor neuropathy type 2. Identifiers: Orphanet 139525, MedGen C3711384, MeSH C580044, MONDO:0015352.

gnomAD v4.1: 6 of 1,613,850 alleles (0.00037%); highest among the groups gnomAD compares: African/African-American, 0.008%; no homozygotes.

Submission:

Labcorp Genetics (formerly Invitae), Labcorp
Classification: Uncertain significance for Distal hereditary motor neuropathy type 2. Last evaluated: 2024-04-13. Review status: criteria provided, single submitter. Criteria: Invitae Variant Classification Sherloc (09022015). Collection method: clinical testing. Allele origin: germline.
Comment: This sequence change replaces isoleucine, which is neutral and non-polar, with methionine, which is neutral and non-polar, at codon 614 of the FBXO38 protein (p.Ile614Met). This variant is present in population databases (no rsID available, gnomAD 0.01%). This variant has not been reported in the literature in individuals affected with FBXO38-related conditions. Advanced modeling of protein sequence and biophysical properties (such as structural, functional, and spatial information, amino acid conservation, physicochemical variation, residue mobility, and thermodynamic stability) performed at Invitae indicates that this missense variant is not expected to disrupt FBXO38 protein function with a negative predictive value of 80%. In summary, the available evidence is currently insufficient to determine the role of this variant in disease. Therefore, it has been classified as a Variant of Uncertain Significance.